The following is an entry in ClinVar:

ClinVar aggregate classification (germline): Likely pathogenic (1 of 4 stars; one submission).

Conditions:
Dilated cardiomyopathy 1G (CMD1G). Identifiers: Orphanet 154, MedGen C1858763, MONDO:0011400, OMIM 604145.

Submission:

Variantyx, Inc.
Classification: Likely pathogenic for Dilated cardiomyopathy 1G. Last evaluated: 2025-12-08. Review status: criteria provided, single submitter. Criteria: Variantyx Assertion Criteria 2022. Collection method: clinical testing. Allele origin: germline. Inheritance: Autosomal dominant inheritance. Affected: yes.
Comment: This is a frameshift variant in the TTN gene (OMIM: 188840). Pathogenic variants in this gene have been associated with autosomal dominant dilated cardiomyopathy 1G. This variant is located in the A-band region of titin (PSI=100%) and introduces a premature termination codon in exon 270 out of 363. It is expected to result in loss of function, which is a known disease mechanism for TTN in this disorder (PMID: 38938651 ) (PVS1). This variant is absent from control populations (PM2) and it has not been reported in individuals with TTN-related disorders in the databases available for review. Based on the current evidence, this variant is classified as likely pathogenic for autosomal dominant dilated cardiomyopathy 1G.

Literature cited by the submitters: PubMed 38938651.

NM_001267550.2(TTN):c.50959del (p.Ser16987fs)

Genes: TTN (titin; minus strand), TTN-AS1 (TTN antisense RNA 1; plus strand). Cytogenetic location: 2q31.2.
Variant type: Deletion.
Coding change: c.50959del on transcript NM_001267550.2 (MANE Select); coding-DNA position 50959, one base deleted (A; older notation c.50959delA).
Protein change: p.Ser16987fs; shifts the reading frame from serine 16987.
Molecular consequence: frameshift variant.
Genome position (GRCh38, 1-based): chr2:178,611,170, T deleted on the plus strand (A on the coding strand, the reverse complement: TTN is on the minus strand). VCF-style (leftmost placement, unchanged base first): chr2-178611169-CT-C. GRCh37 (hg19) VCF-style: chr2-179475896-CT-C.
Other names: c.43255del, p.Ser14419fs (NM_133378.4); c.24139del, p.Ser8047fs (NM_133432.3); c.24340del, p.Ser8114fs (NM_133437.4); c.46036del, p.Ser15346fs (NM_001256850.1); c.23764del, p.Ser7922fs (NM_003319.4); short protein forms S14419fs, S15346fs, S16987fs, S7922fs, S8047fs, S8114fs.
Identifiers: ClinVar variation 4852177 (VCV004852177.1).